The following is an entry in ClinVar:

ClinVar aggregate classification (germline): Conflicting classifications of pathogenicity. Review status: criteria provided, conflicting classifications (1 of 4 stars). 3 submissions from 3 submitters: Uncertain significance (2); Benign (1). Last evaluated 2024-09-08.

Conditions:
Inborn genetic diseases. Identifiers: MedGen C0950123, MeSH D030342.

Allele frequency attached by ClinVar (database versions not stated): gnomAD exomes below 0.00001; TOPMed below 0.00001; gnomAD 0.00001.

Submissions (3):

Labcorp Genetics (formerly Invitae), Labcorp
Classification: Benign. Last evaluated: 2024-09-08. Review status: criteria provided, single submitter. Criteria: Invitae Variant Classification Sherloc (09022015). Collection method: clinical testing. Allele origin: germline.

Ambry Genetics
Classification: Uncertain significance for Inborn genetic diseases. Last evaluated: 2023-03-22. Review status: criteria provided, single submitter. Criteria: Ambry Variant Classification Scheme 2023. Collection method: clinical testing. Allele origin: germline.

GeneDx
Classification: Uncertain significance. Last evaluated: 2017-10-05. Review status: criteria provided, single submitter. Criteria: GeneDx Variant Classification (06012015). Collection method: clinical testing. Allele origin: germline. Affected: yes.
Comment: The P428S variant in the ZMYND11 genehas not been reported previously as a pathogenic variant, nor as a benign variant, to our knowledge. This variant is not observed in large population cohorts (Lek et al., 2016). The P428S variant is a non-conservative amino acid substitution, which is likely to impact secondary protein structure as these residues differ in polarity, charge, size and/or other properties. This substitution occurs at a position that is conserved across species. In silico analysis is inconsistent in its predictions as to whether or not the variant is damaging to the protein structure/function. We interpret P428S as a variant of uncertain significance.

NM_001370100.5(ZMYND11):c.1282C>T (p.Pro428Ser)

Genes: ZMYND11 (zinc finger MYND-type containing 11; plus strand), LOC126860802 (BRD4-independent group 4 enhancer GRCh37_chr10:294268-295467; plus strand). Cytogenetic location: 10p15.3.
Variant type: single nucleotide variant.
Coding change: c.1282C>T on transcript NM_001370100.5 (MANE Select); coding-DNA position 1282, C replaced by T.
Protein change: p.Pro428Ser; replaces proline 428 with serine.
Molecular consequence: missense variant. On other transcripts: non-coding transcript variant (1).
Genome position (GRCh38, 1-based): chr10:248,390, C>T. VCF-style: chr10-248390-C-T. GRCh37 (hg19) VCF-style: chr10-294330-C-T.
Other names: c.1120C>T, p.Pro374Ser (NM_001202464.3, NM_001202467.1, NM_001370103.2 and 6 more transcripts); c.1027C>T, p.Pro343Ser (NM_001202465.3, NM_001370110.2); c.1117C>T, p.Pro373Ser (NM_001202466.3, NM_001370111.2); c.1282C>T, p.Pro428Ser (NM_001202468.1, NM_001370097.3, NM_001370098.2 and 4 more transcripts); c.1231C>T, p.Pro411Ser (NM_001330057.3, NM_001370112.2); c.1189C>T, p.Pro397Ser (NM_001370113.2, NM_001370114.2); c.811C>T, p.Pro271Ser (NM_001370124.3); c.1279C>T, p.Pro427Ser (NM_212479.4, NM_001370115.2); and 8 more; short protein forms P428S, P373S, P411S, P352S, P374S, P388S, P397S, P406S.
Identifiers: ClinVar variation 452493 (VCV000452493.6), dbSNP rs1554793294, ClinGen allele CA375822155.